The following is an entry in ClinVar:

NM_017662.5(TRPM6):c.4988A>G (p.Gln1663Arg)

Gene: TRPM6 (transient receptor potential cation channel subfamily M member 6; minus strand). Cytogenetic location: 9q21.13.
Variant type: single nucleotide variant.
Coding change: c.4988A>G on transcript NM_017662.5 (MANE Select); coding-DNA position 4988, A replaced by G.
Protein change: p.Gln1663Arg; replaces glutamine 1663 with arginine.
Molecular consequence: missense variant.
Genome position (GRCh38, 1-based): chr9:74,752,287, T>C on the plus strand (A>G on the coding strand, the complement: TRPM6 is on the minus strand). VCF-style: chr9-74752287-T-C. GRCh37 (hg19) VCF-style: chr9-77367203-T-C.
Other names: c.4973A>G, p.Gln1658Arg (NM_001177310.2, NM_001177311.2); short protein forms Q1663R, Q1658R.
Identifiers: ClinVar variation 218740 (VCV000218740.27), dbSNP rs55679040, ClinGen allele CA249066.

ClinVar aggregate classification (germline): Benign/Likely benign. Review status: criteria provided, multiple submitters, no conflicts (2 of 4 stars). 7 submissions from 7 submitters: Benign (3); Likely benign (4). Last evaluated 2026-01-28.

Conditions:
Intestinal hypomagnesemia 1. Also called: HYPOMAGNESEMIA, INTESTINAL, WITH SECONDARY HYPOCALCEMIA; HYPOMAGNESEMIC TETANY. Identifiers: Orphanet 30924, MedGen C1865974, MONDO:0011176, OMIM 602014.

Allele frequency attached by ClinVar (database versions not stated): 1000 Genomes Project 0.00280; 1000 Genomes Project 30x 0.00281; gnomAD exomes 0.00590 and 0.00827; gnomAD 0.00634 and 0.00650; TOPMed 0.00678; ESP Exome Variant Server 0.00747; ExAC 0.00771.
gnomAD v4.1: 12,773 of 1,586,390 alleles (0.81%); highest among the groups gnomAD compares: Middle Eastern, 1.9%; 74 homozygotes.

Submissions (7):

Labcorp Genetics (formerly Invitae), Labcorp
Classification: Benign. Last evaluated: 2026-01-28. Review status: criteria provided, single submitter. Criteria: Invitae Variant Classification Sherloc (09022015). Collection method: clinical testing. Allele origin: germline.

CeGaT Center for Human Genetics Tuebingen
Classification: Likely benign. Last evaluated: 2025-05-01. Review status: criteria provided, single submitter. Criteria: CeGaT Center For Human Genetics Tuebingen Variant Classification Criteria Version 2. Collection method: clinical testing. Allele origin: germline. Affected: yes. Observed: 1 variant allele.
Comment: TRPM6: BP4, BS2

Blueprint Genetics
Classification: Likely benign. Last evaluated: 2024-11-26. Review status: criteria provided, single submitter. Criteria: ACMG Guidelines, 2015. Collection method: clinical testing. Allele origin: germline.

GeneDx
Classification: Benign. Last evaluated: 2020-03-13. Review status: criteria provided, single submitter. Criteria: GeneDx Variant Classification Process June 2021. Collection method: clinical testing. Allele origin: germline. Affected: yes.
Comment: This variant is associated with the following publications: (PMID: 30739590, 23942199)

Illumina Laboratory Services, Illumina
Classification: Benign for Intestinal hypomagnesemia 1. Last evaluated: 2018-02-13. Review status: criteria provided, single submitter. Criteria: ICSL Variant Classification Criteria 13 December 2019. Collection method: clinical testing. Allele origin: germline.
Comment: This variant was observed as part of a predisposition screen in an ostensibly healthy population. A literature search was performed for the gene, cDNA change, and amino acid change (where applicable). Publications were found based on this search. The evidence from the literature, in combination with allele frequency data from public databases where available, was sufficient to rule this variant out of causing disease. Therefore, this variant is classified as benign.

Genomic Diagnostic Laboratory, Division of Genomic Diagnostics, Children's Hospital of Philadelphia
Classification: Likely benign. Last evaluated: 2015-03-06. Review status: criteria provided, single submitter. Criteria: DGD Variant Analysis Guidelines. Collection method: clinical testing. Allele origin: unknown.

Breakthrough Genomics
Classification: Likely benign. Review status: criteria provided, single submitter. Criteria: ACMG Guidelines, 2015. Collection method: not provided. Allele origin: germline. Inheritance: Autosomal recessive inheritance. Affected: yes.

Literature cited by the submitters: PubMed 23942199 (cited by Illumina Laboratory Services, Illumina); PubMed 24985022 (cited by Illumina Laboratory Services, Illumina).